The following is an entry in ClinVar:

ClinVar aggregate classification (germline): Uncertain significance. Review status: criteria provided, multiple submitters, no conflicts (2 of 4 stars). 3 submissions from 3 submitters: Uncertain significance (3). Last evaluated 2026-06-08.

Conditions:
Cardiovascular phenotype. Identifiers: MedGen CN230736.

Allele frequency attached by ClinVar (database versions not stated): ExAC 0.00003; gnomAD 0.00005; TOPMed 0.00008; ESP Exome Variant Server 0.00013; 1000 Genomes Project 0.00020; 1000 Genomes Project 30x 0.00031.
gnomAD v4.1: 42 of 1,613,392 alleles (0.0026%); highest among the groups gnomAD compares: Admixed American, 0.02%; no homozygotes.

Submissions (3):

Women's Health and Genetics/Laboratory Corporation of America, LabCorp
Classification: Uncertain significance. Last evaluated: 2026-06-08. Review status: criteria provided, single submitter. Criteria: LabCorp Variant Classification Summary - May 2015. Collection method: clinical testing. Allele origin: germline.

GeneDx
Classification: Uncertain significance. Last evaluated: 2026-03-25. Review status: criteria provided, single submitter. Criteria: GeneDx Variant Classification Process June 2021. Collection method: clinical testing. Allele origin: germline.
Comment: Has not been previously published as pathogenic or benign to our knowledge; In silico analysis suggests that this missense variant does not alter protein structure/function

Ambry Genetics
Classification: Uncertain significance for Cardiovascular phenotype. Last evaluated: 2025-03-03. Review status: criteria provided, single submitter. Criteria: Ambry Variant Classification Scheme 2023. Collection method: clinical testing. Allele origin: germline.

NM_001365276.2(TNXB):c.7043G>A (p.Arg2348Gln)

Gene: TNXB (tenascin XB; minus strand). Cytogenetic location: 6p21.33.
Variant type: single nucleotide variant.
Coding change: c.7043G>A on transcript NM_001365276.2 (MANE Select); coding-DNA position 7043, G replaced by A.
Protein change: p.Arg2348Gln; replaces arginine 2348 with glutamine.
Molecular consequence: missense variant.
Genome position (GRCh38, 1-based): chr6:32,062,282, C>T on the plus strand (G>A on the coding strand, the complement: TNXB is on the minus strand). VCF-style: chr6-32062282-C-T. GRCh37 (hg19) VCF-style: chr6-32030059-C-T.
Other names: c.7043G>A, p.Arg2348Gln (NM_019105.8); short protein forms R2348Q.
Identifiers: ClinVar variation 1756851 (VCV001756851.6), dbSNP rs368054590, ClinGen allele CA3734270.